The following is an entry in ClinVar:

ClinVar aggregate classification (germline): Pathogenic/Likely pathogenic. Review status: criteria provided, multiple submitters, no conflicts (2 of 4 stars). 4 submissions from 4 submitters: Pathogenic (2); Likely pathogenic (1). 1 of the submissions does not count toward it. Last evaluated 2025-12-02.

Conditions:
Methylmalonic aciduria due to complete methylmalonyl-CoA mutase deficiency.
Methylmalonic aciduria due to methylmalonyl-CoA mutase deficiency (MAMM). Also called: Methylmalonic aciduria, mut type. Identifiers: Orphanet 27, MedGen C1855114, MONDO:0009612, OMIM 251000.

Allele frequency attached by ClinVar (database versions not stated): TOPMed below 0.00001.

Submissions (4):

Natera, Inc.
Classification: Likely pathogenic for Methylmalonic aciduria due to complete methylmalonyl-CoA mutase deficiency. Last evaluated: 2025-12-02. Review status: criteria provided, single submitter. Criteria: Natera Variant Classification Schema (03/2026). Collection method: clinical testing. Allele origin: germline.
Comment: The c.1007delT variant in MMUT is a frameshift variant predicted to shift the reading frame beginning at codon 336 and leads to a stop codon 12 codons downstream. This variant is expected to result in nonsense mediated decay, truncation, or a dysfunctional protein product. This variant is rare in the general population with a frequency below the threshold expected for the associated phenotype(s). Given the available evidence, this variant is classified as Likely Pathogenic.

Labcorp Genetics (formerly Invitae), Labcorp
Classification: Pathogenic. Last evaluated: 2021-03-22. Review status: criteria provided, single submitter. Criteria: Invitae Variant Classification Sherloc (09022015). Collection method: clinical testing. Allele origin: germline.
Comment: For these reasons, this variant has been classified as Pathogenic. This variant has not been reported in the literature in individuals with MUT-related conditions. ClinVar contains an entry for this variant (Variation ID: 423257). This variant is not present in population databases (ExAC no frequency). This sequence change creates a premature translational stop signal (p.Met336Serfs*12) in the MUT gene. It is expected to result in an absent or disrupted protein product. Loss-of-function variants in MUT are known to be pathogenic (PMID: 15781192).

GeneDx
Classification: Pathogenic. Last evaluated: 2017-02-01. Review status: criteria provided, single submitter. Criteria: GeneDx Variant Classification (06012015). Collection method: clinical testing. Allele origin: germline. Affected: yes.
Comment: The c.1007delT variant in the MUT gene causes a frameshift starting with codon Methionine 336, changes this amino acid to a Serine residue and creates a premature Stop codon at position 12 of the new reading frame, denoted p.Met336SerfsX12. This variant is predicted to cause loss of normal protein function either through protein truncation or nonsense-mediated mRNA decay. Although this variant has not been previously reported to our knowledge, it is expected to be a pathogenic variant.

Counsyl
Classification: Likely pathogenic for Methylmalonic aciduria due to methylmalonyl-CoA mutase deficiency. Last evaluated: 2017-11-26. Review status: no assertion criteria provided. Collection method: clinical testing. Allele origin: unknown. Not counted in ClinVar's aggregate classification.

Literature cited by the submitters: PubMed 15781192 (cited by Labcorp Genetics (formerly Invitae), Labcorp).

NM_000255.4(MMUT):c.1007del (p.Met336fs)

Gene: MMUT (methylmalonyl-CoA mutase; minus strand). Cytogenetic location: 6p12.3.
Variant type: Deletion.
Coding change: c.1007del on transcript NM_000255.4 (MANE Select); coding-DNA position 1007, one base deleted (T; older notation c.1007delT).
Protein change: p.Met336fs; shifts the reading frame from methionine 336.
Molecular consequence: frameshift variant.
Genome position (GRCh38, 1-based): chr6:49,453,661, A deleted on the plus strand (T on the coding strand, the reverse complement: MMUT is on the minus strand). VCF-style (leftmost placement, unchanged base first): chr6-49453660-CA-C. GRCh37 (hg19) VCF-style: chr6-49421373-CA-C.
Other names: short protein forms M336fs.
Identifiers: ClinVar variation 423257 (VCV000423257.11), dbSNP rs1064796328, ClinGen allele CA16618293.